The following is an entry in ClinVar:

ClinVar aggregate classification (germline): Benign/Likely benign. Review status: criteria provided, multiple submitters, no conflicts (2 of 4 stars). 13 submissions from 13 submitters: Benign (1); Likely benign (10). 2 of the submissions do not count toward it. Last evaluated 2026-01-29.

Conditions:
MYBPC3-related disorder. Also called: MYBPC3-related disorders; MYBPC3-related condition; MYBPC3-related disease.
Cardiovascular phenotype. Identifiers: MedGen CN230736.
Cardiomyopathy (CMYO). Also called: Cardiomyopathies. Identifiers: Orphanet 167848, MedGen C0878544, MONDO:0004994, HP:0001638. Inheritance: Various modes of inheritance.
Hypertrophic cardiomyopathy 4. Also called: Familial hypertrophic cardiomyopathy 4. Identifiers: MedGen C1861862, MONDO:0007268, OMIM 115197.
Hypertrophic cardiomyopathy. Also called: HYPERTROPHIC MYOCARDIOPATHY. Identifiers: Orphanet 217569, MedGen C0007194, MeSH D002312, MONDO:0005045, HP:0001639.

Allele frequency attached by ClinVar (database versions not stated): TOPMed 0.00003; gnomAD 0.00004; ExAC 0.00008; gnomAD exomes 0.00008; ESP Exome Variant Server 0.00016.
gnomAD v4.1: 65 of 1,613,780 alleles (0.004%); highest among the groups gnomAD compares: African/African-American, 0.0053%; no homozygotes.

Submissions (13):

Labcorp Genetics (formerly Invitae), Labcorp
Classification: Likely benign for Hypertrophic cardiomyopathy. Last evaluated: 2026-01-29. Review status: criteria provided, single submitter. Criteria: Invitae Variant Classification Sherloc (09022015). Collection method: clinical testing. Allele origin: germline.

PreventionGenetics, part of Exact Sciences
Classification: Likely benign for MYBPC3-related condition. Last evaluated: 2025-05-27. Review status: criteria provided, single submitter. Criteria: ACMG Guidelines, 2015. Collection method: clinical testing. Allele origin: germline.
Comment: This variant is classified as likely benign based on ACMG/AMP sequence variant interpretation guidelines (Richards et al. 2015 PMID: 25741868, with internal and published modifications).

Molecular Diagnostic Laboratory for Inherited Cardiovascular Disease, Montreal Heart Institute
Classification: Likely benign. Last evaluated: 2025-04-09. Review status: criteria provided, single submitter. Criteria: ACMG Guidelines, 2015. Collection method: clinical testing. Allele origin: germline. Affected: no.

Women's Health and Genetics/Laboratory Corporation of America, LabCorp
Classification: Likely benign. Last evaluated: 2024-12-06. Review status: criteria provided, single submitter. Criteria: LabCorp Variant Classification Summary - May 2015. Collection method: clinical testing. Allele origin: germline.

Blueprint Genetics
Classification: Likely benign. Last evaluated: 2024-11-23. Review status: criteria provided, single submitter. Criteria: ACMG Guidelines, 2015. Collection method: clinical testing. Allele origin: germline.

All of Us Research Program, National Institutes of Health
Classification: Likely benign for Hypertrophic cardiomyopathy. Last evaluated: 2024-02-05. Review status: criteria provided, single submitter. Criteria: ACMG Guidelines, 2015. Collection method: clinical testing. Allele origin: germline. Inheritance: Autosomal dominant inheritance. Observed: 12 variant alleles, 12 heterozygotes.
Comment: This study involves interpretation of variants in research participants for the purpose of population health screening. Participant phenotype was not available at the time of variant classification. Additional details can be found in publication PMID: 35346344, PMCID: PMC8962531

Ambry Genetics
Classification: Likely benign for Cardiovascular phenotype. Last evaluated: 2019-12-11. Review status: criteria provided, single submitter. Criteria: Ambry Variant Classification Scheme 2023. Collection method: clinical testing. Allele origin: germline.

Color Diagnostics, LLC DBA Color Health
Classification: Likely benign for Cardiomyopathy. Last evaluated: 2019-03-24. Review status: criteria provided, single submitter. Criteria: ACMG Guidelines, 2015. Collection method: clinical testing. Allele origin: germline.

Genome Diagnostics Laboratory, University Medical Center Utrecht
Classification: Likely benign for Hypertrophic cardiomyopathy 4. Last evaluated: 2016-12-08. Review status: criteria provided, single submitter. Criteria: ACGS Guidelines, 2013. Collection method: clinical testing. Allele origin: germline. Affected: yes. Study: VKGL Data-share Consensus.

Clinical Genetics DNA and cytogenetics Diagnostics Lab, Erasmus MC, Erasmus Medical Center
Classification: Likely benign for Hypertrophic cardiomyopathy 4. Last evaluated: 2015-09-21. Review status: criteria provided, single submitter. Criteria: ACGS Guidelines, 2013. Collection method: clinical testing. Allele origin: germline. Affected: yes. Study: VKGL Data-share Consensus.

GeneDx
Classification: Benign. Last evaluated: 2015-03-03. Review status: criteria provided, single submitter. Criteria: GeneDx Variant Classification Process June 2021. Collection method: clinical testing. Allele origin: germline. Affected: yes.

Diagnostic Laboratory, Department of Genetics, University Medical Center Groningen
Classification: Likely benign for Hypertrophic cardiomyopathy 4. Review status: no assertion criteria provided. Collection method: clinical testing. Allele origin: germline. Affected: yes. Study: VKGL Data-share Consensus. Not counted in ClinVar's aggregate classification.

Joint Genome Diagnostic Labs from Nijmegen and Maastricht, Radboudumc and MUMC+
Classification: Likely benign. Review status: no assertion criteria provided. Collection method: clinical testing. Allele origin: germline. Affected: yes. Study: VKGL Data-share Consensus. Not counted in ClinVar's aggregate classification.

NM_000256.3(MYBPC3):c.3573G>A (p.Ser1191=)

Gene: MYBPC3 (myosin binding protein C3; minus strand). Cytogenetic location: 11p11.2.
Variant type: single nucleotide variant.
Coding change: c.3573G>A on transcript NM_000256.3 (MANE Select); coding-DNA position 3573, G replaced by A.
Protein change: p.Ser1191=; no amino-acid change (serine 1191 retained).
Molecular consequence: synonymous variant.
Genome position (GRCh38, 1-based): chr11:47,332,620, C>T on the plus strand (G>A on the coding strand, the complement: MYBPC3 is on the minus strand). VCF-style: chr11-47332620-C-T. GRCh37 (hg19) VCF-style: chr11-47354171-C-T.
Other names: c.3573G>A, p.Ser1191= (LRG_386t1).
Identifiers: ClinVar variation 454329 (VCV000454329.38), dbSNP rs371488508, ClinGen allele CA079439.
Genomic context (GRCh38, chr11:47,332,620, plus strand): 5'-CCCTACCTTGGGGCTACCCCGGACAGCACAGCAGAGCATAGCAGTGTAGCCCGCGATGAC[C>T]GAGCGGTTCACCAGGGGCTGGGTGAAGCTTGGGGCCTCGGAGAAGTCCAGGGCCTTATAG-3'
Protein context (NP_000247.2, residues 1181-1201): PSFTQPLVNR[Ser1191=]VIAGYTAMLC